The following is an entry in ClinVar:

NM_017780.4(CHD7):c.482A>G (p.Gln161Arg)

Gene: CHD7 (chromodomain helicase DNA binding protein 7; plus strand). Cytogenetic location: 8q12.2.
Variant type: single nucleotide variant.
Coding change: c.482A>G on transcript NM_017780.4 (MANE Select); coding-DNA position 482, A replaced by G.
Protein change: p.Gln161Arg; replaces glutamine 161 with arginine.
Molecular consequence: missense variant.
Genome position (GRCh38, 1-based): chr8:60,741,914, A>G. VCF-style: chr8-60741914-A-G. GRCh37 (hg19) VCF-style: chr8-61654473-A-G.
Other names: c.482A>G, p.Gln161Arg (NM_001316690.1); short protein forms Q161R.
Identifiers: ClinVar variation 529126 (VCV000529126.1), dbSNP rs755340969, ClinGen allele CA4759323.

ClinVar aggregate classification (germline): Uncertain significance (1 of 4 stars; one submission).

Conditions:
CHARGE syndrome (CHARGE). Also called: Hittner Hirsch Kreh syndrome; Coloboma, heart anomaly, choanal atresia, retardation, genital and ear anomalies; CHARGE association; Hall-Hittner syndrome; CHARGE ASSOCIATION--COLOBOMA, HEART ANOMALY, CHOANAL ATRESIA, RETARDATION, GENITAL AND EAR ANOMALIES. Identifiers: Orphanet 138, MedGen C0265354, MONDO:0008965.

Allele frequency attached by ClinVar (database versions not stated): gnomAD 0.00001 and 0.00002; TOPMed 0.00002; ExAC 0.00003; gnomAD exomes 0.00003 and 0.00004.

Submission:

Labcorp Genetics (formerly Invitae), Labcorp
Classification: Uncertain significance for CHARGE syndrome. Last evaluated: 2018-01-06. Review status: criteria provided, single submitter. Criteria: Invitae Variant Classification Sherloc (09022015). Collection method: clinical testing. Allele origin: germline.
Comment: This sequence change replaces glutamine with arginine at codon 161 of the CHD7 protein (p.Gln161Arg). The glutamine residue is highly conserved and there is a small physicochemical difference between glutamine and arginine. This variant is present in population databases (rs755340969, ExAC 0.009%). This variant has not been reported in the literature in individuals with CHD7-related disease. Algorithms developed to predict the effect of missense changes on protein structure and function do not agree on the potential impact of this missense change (SIFT: "Deleterious"; PolyPhen-2: "Benign"; Align-GVGD: "Class C0"). In summary, the available evidence is currently insufficient to determine the role of this variant in disease. Therefore, it has been classified as a Variant of Uncertain Significance.